The following is an entry in ClinVar:

NM_001321075.3(DLG4):c.1569C>T (p.Tyr523=)

Gene: DLG4 (discs large MAGUK scaffold protein 4; minus strand). Cytogenetic location: 17p13.1.
Variant type: single nucleotide variant.
Coding change: c.1569C>T on transcript NM_001321075.3 (MANE Select); coding-DNA position 1569, C replaced by T.
Protein change: p.Tyr523=; no amino-acid change (tyrosine 523 retained).
Molecular consequence: synonymous variant. On other transcripts: non-coding transcript variant (1).
Genome position (GRCh38, 1-based): chr17:7,193,689, G>A on the plus strand (C>T on the coding strand, the complement: DLG4 is on the minus strand). VCF-style: chr17-7193689-G-A. GRCh37 (hg19) VCF-style: chr17-7097008-G-A.
Other names: c.1560C>T, p.Tyr520= (NM_001128827.4); c.1689C>T, p.Tyr563= (NM_001321074.1); c.1389C>T, p.Tyr463= (NM_001321076.3, NM_001321077.3); c.1698C>T, p.Tyr566= (NM_001365.5); c.1488C>T, p.Tyr496= (NM_001369566.3).
Identifiers: ClinVar variation 3239069 (VCV003239069.19), dbSNP rs377729880.

ClinVar aggregate classification (germline): Likely benign (1 of 4 stars; one submission).

Allele frequency attached by ClinVar (database versions not stated): gnomAD 0.00001; ExAC 0.00002; TOPMed 0.00002; gnomAD exomes 0.00004; ESP Exome Variant Server 0.00008.

Submission:

CeGaT Center for Human Genetics Tuebingen
Classification: Likely benign. Last evaluated: 2024-05-01. Review status: criteria provided, single submitter. Criteria: CeGaT Center For Human Genetics Tuebingen Variant Classification Criteria Version 2. Collection method: clinical testing. Allele origin: germline. Affected: yes. Observed: 1 variant allele.
Comment: DLG4: BP4, BP7